The following is an entry in ClinVar:

ClinVar aggregate classification (germline): Uncertain significance. Review status: criteria provided, single submitter (1 of 4 stars). 2 submissions from 2 submitters: Uncertain significance (1). 1 of the submissions does not count toward it. Last evaluated 2022-06-10.

Conditions:
MAGEL2-related disorder. Also called: MAGEL2-related condition.
Schaaf-Yang syndrome (SHFYNG). Also called: Arthrogryposis, distal, with hypopituitarism, intellectual disability, and facial anomalies; MAGEL2-related Prader-Willi-like syndrome. Identifiers: Orphanet 398069, MedGen C5575066, MONDO:0014243, OMIM 615547.

gnomAD v4.1: 21 of 1,460,984 alleles (0.0014%); highest among the groups gnomAD compares: Non-Finnish European, 0.0018%; no homozygotes.

Submissions (2):

Labcorp Genetics (formerly Invitae), Labcorp
Classification: Uncertain significance. Last evaluated: 2022-06-10. Review status: criteria provided, single submitter. Criteria: Invitae Variant Classification Sherloc (09022015). Collection method: clinical testing. Allele origin: germline.
Comment: This variant has not been reported in the literature in individuals affected with MAGEL2-related conditions. In summary, the available evidence is currently insufficient to determine the role of this variant in disease. Therefore, it has been classified as a Variant of Uncertain Significance. Experimental studies and prediction algorithms are not available or were not evaluated, and the functional significance of this variant is currently unknown. This variant is present in population databases (no rsID available, gnomAD 0.008%). This sequence change replaces alanine, which is neutral and non-polar, with glutamic acid, which is acidic and polar, at codon 553 of the MAGEL2 protein (p.Ala553Glu).

PreventionGenetics, part of Exact Sciences
Classification: Uncertain significance for MAGEL2-related condition. Last evaluated: 2024-09-06. Review status: no assertion criteria provided. Collection method: clinical testing. Allele origin: germline. Not counted in ClinVar's aggregate classification.
Comment: The MAGEL2 c.1658C>A variant is predicted to result in the amino acid substitution p.Ala553Glu. To our knowledge, this variant has not been reported in the literature. This variant is reported in 0.0077% of alleles in individuals of European (Non-Finnish) descent in gnomAD. At this time, the clinical significance of this variant is uncertain due to the absence of conclusive functional and genetic evidence.

NM_019066.5(MAGEL2):c.1658C>A (p.Ala553Glu)

Gene: MAGEL2 (MAGE family member L2; minus strand). Cytogenetic location: 15q11.2.
Variant type: single nucleotide variant.
Coding change: c.1658C>A on transcript NM_019066.5 (MANE Select); coding-DNA position 1658, C replaced by A.
Protein change: p.Ala553Glu; replaces alanine 553 with glutamic acid.
Molecular consequence: missense variant.
Genome position (GRCh38, 1-based): chr15:23,646,085, G>T on the plus strand (C>A on the coding strand, the complement: MAGEL2 is on the minus strand). VCF-style: chr15-23646085-G-T. GRCh37 (hg19) VCF-style: chr15-23891232-G-T.
Other names: c.1658C>A (NM_019066.4); short protein forms A553E.
Identifiers: ClinVar variation 1923687 (VCV001923687.7), dbSNP rs1025712329, ClinGen allele CA267660222.